The following is an entry in ClinVar:

ClinVar aggregate classification (germline): Pathogenic (1 of 4 stars; one submission).

Conditions:
Hereditary breast ovarian cancer syndrome. Also called: Hereditary breast and ovarian cancer syndrome; Hereditary breast and/or ovarian cancer syndrome; BRCA1- and BRCA2-Associated Hereditary Breast and Ovarian Cancer; Hereditary breast and ovarian cancer; Breast and ovarian cancer; Hereditary breast and ovarian cancer syndrome (HBOC). Identifiers: Orphanet 145, MedGen C0677776, MeSH D061325, MONDO:0003582. Disease mechanism: loss of function.

Submission:

Labcorp Genetics (formerly Invitae), Labcorp
Classification: Pathogenic for Hereditary breast ovarian cancer syndrome. Last evaluated: 2023-06-04. Review status: criteria provided, single submitter. Criteria: Invitae Variant Classification Sherloc (09022015). Collection method: clinical testing. Allele origin: germline.
Comment: For these reasons, this variant has been classified as Pathogenic. This variant has not been reported in the literature in individuals affected with BRCA2-related conditions. This variant is not present in population databases (gnomAD no frequency). This sequence change creates a premature translational stop signal (p.Asp935Valfs*25) in the BRCA2 gene. It is expected to result in an absent or disrupted protein product. Loss-of-function variants in BRCA2 are known to be pathogenic (PMID: 20104584).

Literature cited by the submitters: PubMed 20104584.

NM_000059.4(BRCA2):c.2804del (p.Asp935fs)

Gene: BRCA2 (BRCA2 DNA repair associated; plus strand). Cytogenetic location: 13q13.1.
Variant type: Deletion.
Coding change: c.2804del on transcript NM_000059.4 (MANE Select); coding-DNA position 2804, one base deleted (A; older notation c.2804delA).
Protein change: p.Asp935fs; shifts the reading frame from aspartic acid 935.
Molecular consequence: frameshift variant. On other transcripts: non-coding transcript variant (1), intron variant (2).
Genome position (GRCh38, 1-based): chr13:32,337,159, A deleted. VCF-style (leftmost placement, unchanged base first): chr13-32337158-GA-G. GRCh37 (hg19) VCF-style: chr13-32911295-GA-G.
Other names: c.2804del, p.Asp935fs (NM_001406719.1, NM_001406720.1); c.1909+3772del (NM_001406721.1); c.424+6129del (NM_001406722.1); short protein forms D935fs.
Identifiers: ClinVar variation 2764877 (VCV002764877.3), dbSNP rs2548524679, ClinGen allele CA2697551731.
Genomic context (GRCh38, chr13:32,337,158, plus strand): 5'-ACTTGTGTAAACGAACCCATTTTCAAGAACTCTACCATGGTTTTATATGGAGACACAGGT[GA>G]TAAACAAGCAACCCAAGTGTCAATTAAAAAAGATTTGGTTTATGTTCTTGCAGAGGAGAA-3'